The following is an entry in ClinVar:

NM_001127453.2(GSDME):c.733G>A (p.Glu245Lys)

Gene: GSDME (gasdermin E; minus strand). Cytogenetic location: 7p15.3.
Variant type: single nucleotide variant.
Coding change: c.733G>A on transcript NM_001127453.2 (MANE Select); coding-DNA position 733, G replaced by A.
Protein change: p.Glu245Lys; replaces glutamic acid 245 with lysine.
Molecular consequence: missense variant.
Genome position (GRCh38, 1-based): chr7:24,710,353, C>T on the plus strand (G>A on the coding strand, the complement: GSDME is on the minus strand). VCF-style: chr7-24710353-C-T. GRCh37 (hg19) VCF-style: chr7-24749972-C-T.
Other names: c.241G>A, p.Glu81Lys (NM_001127454.2); c.733G>A, p.Glu245Lys (NM_004403.3); c.733G>A (NM_004403.2); short protein forms E245K, E81K.
Identifiers: ClinVar variation 872215 (VCV000872215.48), dbSNP rs778242350, ClinGen allele CA4191583.

ClinVar aggregate classification (germline): Uncertain significance. Review status: criteria provided, multiple submitters, no conflicts (2 of 4 stars). 4 submissions from 4 submitters: Uncertain significance (4). Last evaluated 2025-12-15.

Conditions:
Inborn genetic diseases. Identifiers: MedGen C0950123, MeSH D030342.
GSDME-related disorder. Also called: GSDME-related condition.

Allele frequency attached by ClinVar (database versions not stated): TOPMed below 0.00001.
gnomAD v4.1: 13 of 1,614,230 alleles (0.00081%); highest among the groups gnomAD compares: Admixed American, 0.005%; no homozygotes.

Submissions (4):

Ambry Genetics
Classification: Uncertain significance for Inborn genetic diseases. Last evaluated: 2025-12-15. Review status: criteria provided, single submitter. Criteria: Ambry Variant Classification Scheme 2023. Collection method: clinical testing. Allele origin: germline.

PreventionGenetics, part of Exact Sciences
Classification: Uncertain significance for GSDME-related condition. Last evaluated: 2025-10-17. Review status: criteria provided, single submitter. Criteria: ACMG Guidelines, 2015. Collection method: clinical testing. Allele origin: germline.
Comment: The GSDME c.733G>A variant is predicted to result in the amino acid substitution p.Glu245Lys. To our knowledge, this variant has not been reported in the literature. This variant is reported in 0.0087% of alleles in individuals of Latino descent in gnomAD. At this time, the clinical significance of this variant is uncertain due to the absence of conclusive functional and genetic evidence.

Labcorp Genetics (formerly Invitae), Labcorp
Classification: Uncertain significance. Last evaluated: 2021-01-29. Review status: criteria provided, single submitter. Criteria: Invitae Variant Classification Sherloc (09022015). Collection method: clinical testing. Allele origin: germline.
Comment: In summary, the available evidence is currently insufficient to determine the role of this variant in disease. Therefore, it has been classified as a Variant of Uncertain Significance. Algorithms developed to predict the effect of missense changes on protein structure and function are either unavailable or do not agree on the potential impact of this missense change (SIFT: "Deleterious"; PolyPhen-2: "Possibly Damaging"; Align-GVGD: "Class C0"). This variant has not been reported in the literature in individuals with DFNA5-related conditions. ClinVar contains an entry for this variant (Variation ID: 872215). This variant is present in population databases (rs778242350, ExAC 0.02%). This sequence change replaces glutamic acid with lysine at codon 245 of the DFNA5 protein (p.Glu245Lys). The glutamic acid residue is highly conserved and there is a small physicochemical difference between glutamic acid and lysine.

CeGaT Center for Human Genetics Tuebingen
Classification: Uncertain significance. Last evaluated: 2019-08-01. Review status: criteria provided, single submitter. Criteria: CeGaT Center For Human Genetics Tuebingen Variant Classification Criteria Version 2. Collection method: clinical testing. Allele origin: germline. Affected: yes. Observed: 1 variant allele.